The following is an entry in ClinVar:

NM_153816.6(SNX14):c.2267A>G (p.Lys756Arg)

Gene: SNX14 (sorting nexin 14; minus strand). Cytogenetic location: 6q14.3.
Variant type: single nucleotide variant.
Coding change: c.2267A>G on transcript NM_153816.6 (MANE Select); coding-DNA position 2267, A replaced by G.
Protein change: p.Lys756Arg; replaces lysine 756 with arginine.
Molecular consequence: missense variant. On other transcripts: non-coding transcript variant (6).
Genome position (GRCh38, 1-based): chr6:85,517,757, T>C on the plus strand (A>G on the coding strand, the complement: SNX14 is on the minus strand). VCF-style: chr6-85517757-T-C. GRCh37 (hg19) VCF-style: chr6-86227475-T-C.
Other names: c.2267A>G, p.Lys756Arg (NM_001350540.2); c.2240A>G, p.Lys747Arg (NM_001350541.2, NM_001297614.3); c.1979A>G, p.Lys660Arg (NM_001350542.2); c.1976A>G, p.Lys659Arg (NM_001350543.2); c.1967A>G, p.Lys656Arg (NM_001350544.2); c.1823A>G, p.Lys608Arg (NM_001350545.2, NM_001350546.2); c.1217A>G, p.Lys406Arg (NM_001350547.2); c.1112A>G, p.Lys371Arg (NM_001350548.2, NM_001350549.2, NM_001350550.2 and 2 more transcripts); and 9 more; short protein forms K656R, K659R, K711R, K747R, K756R, K371R, K608R, K660R.
Identifiers: ClinVar variation 2016033 (VCV002016033.4), dbSNP rs2534731934, ClinGen allele CA364900220.

ClinVar aggregate classification (germline): Uncertain significance (1 of 4 stars; one submission).

Allele frequency attached by ClinVar (database versions not stated): gnomAD exomes below 0.00001.
gnomAD v4.1: 1 of 1,594,924 alleles (0.000063%); highest among the groups gnomAD compares: Non-Finnish European, 0.000085%; no homozygotes.

Submission:

Labcorp Genetics (formerly Invitae), Labcorp
Classification: Uncertain significance. Last evaluated: 2022-07-11. Review status: criteria provided, single submitter. Criteria: Invitae Variant Classification Sherloc (09022015). Collection method: clinical testing. Allele origin: germline.
Comment: In summary, the available evidence is currently insufficient to determine the role of this variant in disease. Therefore, it has been classified as a Variant of Uncertain Significance. Algorithms developed to predict the effect of sequence changes on RNA splicing suggest that this variant may disrupt the consensus splice site. Algorithms developed to predict the effect of missense changes on protein structure and function are either unavailable or do not agree on the potential impact of this missense change (SIFT: "Tolerated"; PolyPhen-2: "Possibly Damaging"; Align-GVGD: "Class C0"). This variant has not been reported in the literature in individuals affected with SNX14-related conditions. This variant is not present in population databases (gnomAD no frequency). This sequence change replaces lysine, which is basic and polar, with arginine, which is basic and polar, at codon 756 of the SNX14 protein (p.Lys756Arg).